The following is an entry in ClinVar:

ClinVar aggregate classification (germline): Uncertain significance (1 of 4 stars; one submission).

Conditions:
Actin accumulation myopathy (CMYO2A). Also called: Nemaline myopathy type 3; Myopathy, actin, congenital, with excess of thin myofilaments; Myopathy, actin, congenital, with cores; Nemaline myopathy 3, with intranuclear rods; CONGENITAL MYOPATHY 2A, TYPICAL, AUTOSOMAL DOMINANT. Identifiers: Orphanet 98904, MedGen C3711389, MONDO:0008070, OMIM 161800.

Submission:

Labcorp Genetics (formerly Invitae), Labcorp
Classification: Uncertain significance for Actin accumulation myopathy. Last evaluated: 2023-10-16. Review status: criteria provided, single submitter. Criteria: Invitae Variant Classification Sherloc (09022015). Collection method: clinical testing. Allele origin: germline.
Comment: This variant, c.331_348del, results in the deletion of 6 amino acid(s) of the ACTA1 protein (p.Pro111_Ala116del), but otherwise preserves the integrity of the reading frame. This variant is not present in population databases (gnomAD no frequency). This variant has not been reported in the literature in individuals affected with ACTA1-related conditions. Experimental studies and prediction algorithms are not available or were not evaluated, and the functional significance of this variant is currently unknown. In summary, the available evidence is currently insufficient to determine the role of this variant in disease. Therefore, it has been classified as a Variant of Uncertain Significance.

NM_001100.4(ACTA1):c.331_348del (p.Pro111_Ala116del)

Gene: ACTA1 (actin alpha 1, skeletal muscle; minus strand). Cytogenetic location: 1q42.13.
Variant type: Deletion.
Coding change: c.331_348del on transcript NM_001100.4 (MANE Select); coding-DNA positions 331 to 348, 18 bases deleted (CCCCTCAATCCCAAGGCC).
Protein change: p.Pro111_Ala116del.
Molecular consequence: inframe deletion.
Genome position (GRCh38, 1-based): chr1:229,432,662-229,432,679, GGCCTTGGGATTGAGGGG deleted on the plus strand (CCCCTCAATCCCAAGGCC on the coding strand, the reverse complement: ACTA1 is on the minus strand); deleting any 18 consecutive bases within chr1:229,432,662-229,432,684 gives the same sequence; the c. name uses the placement nearest the transcript's 3' end. VCF-style (leftmost placement, unchanged base first): chr1-229432661-TGGCCTTGGGATTGAGGGG-T. GRCh37 (hg19) VCF-style: chr1-229568408-TGGCCTTGGGATTGAGGGG-T.
Identifiers: ClinVar variation 2886337 (VCV002886337.3), dbSNP rs2527439016, ClinGen allele CA2739273924.
Genomic context (GRCh38, chr1:229,432,661, plus strand): 5'-CCACGTACATGGCGGGCACGTTGAAGGTCTCAAACATGATCTGGGTCATCTTCTCGCGGT[TGGCCTTGGGATTGAGGGG>T]GGCCTCGGTGAGCAGGGTGGGGTGCTCCTCGGGAGCCACGCGAAGCTCGTTGTAGAAGGT-3'